The following is an entry in ClinVar:

NM_014413.4(EIF2AK1):c.412G>C (p.Asp138His)

Gene: EIF2AK1 (eukaryotic translation initiation factor 2 alpha kinase 1; minus strand). Cytogenetic location: 7p22.1.
Variant type: single nucleotide variant.
Coding change: c.412G>C on transcript NM_014413.4 (MANE Select); coding-DNA position 412, G replaced by C.
Protein change: p.Asp138His; replaces aspartic acid 138 with histidine.
Molecular consequence: missense variant.
Genome position (GRCh38, 1-based): chr7:6,048,844, C>G on the plus strand (G>C on the coding strand, the complement: EIF2AK1 is on the minus strand). VCF-style: chr7-6048844-C-G. GRCh37 (hg19) VCF-style: chr7-6088475-C-G.
Other names: c.412G>C, p.Asp138His (NM_001134335.2); short protein forms D138H.
Identifiers: ClinVar variation 1977880 (VCV001977880.5), dbSNP rs1252629710, ClinGen allele CA366757059.
Genomic context (GRCh38, chr7:6,048,844, plus strand): 5'-TCAAGAAAGTTTTTCACACATACCTGATTTTCTGGATACGAGAAATATCCTCACAAGGAT[C>G]CTACAATTAAAAAATTGTTTTTAAAAAGCATTTTGAAAACTTGCATGGAATAAAGAACCT-3'
Protein context (NP_055228.2, residues 128-148): MRSAKERVRQ[Asp138His]PCEDISRIQK

ClinVar aggregate classification (germline): Uncertain significance (1 of 4 stars; one submission).

Allele frequency attached by ClinVar (database versions not stated): gnomAD exomes below 0.00001; TOPMed below 0.00001.
gnomAD v4.1: 1 of 1,575,736 alleles (0.000063%); highest among the groups gnomAD compares: African/African-American, 0.0014%; no homozygotes.

Submission:

Labcorp Genetics (formerly Invitae), Labcorp
Classification: Uncertain significance. Last evaluated: 2022-04-01. Review status: criteria provided, single submitter. Criteria: Invitae Variant Classification Sherloc (09022015). Collection method: clinical testing. Allele origin: germline.
Comment: In summary, the available evidence is currently insufficient to determine the role of this variant in disease. Therefore, it has been classified as a Variant of Uncertain Significance. Algorithms developed to predict the effect of missense changes on protein structure and function (SIFT, PolyPhen-2, Align-GVGD) all suggest that this variant is likely to be tolerated. This variant has not been reported in the literature in individuals affected with EIF2AK1-related conditions. This variant is not present in population databases (gnomAD no frequency). This sequence change replaces aspartic acid, which is acidic and polar, with histidine, which is basic and polar, at codon 138 of the EIF2AK1 protein (p.Asp138His).